The following is an entry in ClinVar:

ClinVar aggregate classification (germline): Likely benign (0 of 4 stars; one submission).

Conditions:
EFR3A-related disorder. Also called: EFR3A-related condition.

Allele frequency attached by ClinVar (database versions not stated): TOPMed 0.00001.
gnomAD v4.1: 12 of 1,612,094 alleles (0.00074%); highest among the groups gnomAD compares: Non-Finnish European, 0.001%; no homozygotes.

Submission:

PreventionGenetics, part of Exact Sciences
Classification: Likely benign for EFR3A-related condition. Last evaluated: 2023-04-04. Review status: no assertion criteria provided. Collection method: clinical testing. Allele origin: germline.
Comment: This variant is classified as likely benign based on ACMG/AMP sequence variant interpretation guidelines (Richards et al. 2015 PMID: 25741868, with internal and published modifications).

NM_015137.6(EFR3A):c.2370C>A (p.Pro790=)

Gene: EFR3A (EFR3 homolog A; plus strand). Cytogenetic location: 8q24.22.
Variant type: single nucleotide variant.
Coding change: c.2370C>A on transcript NM_015137.6 (MANE Select); coding-DNA position 2370, C replaced by A.
Protein change: p.Pro790=; no amino-acid change (proline 790 retained).
Molecular consequence: synonymous variant. On other transcripts: non-coding transcript variant (2).
Genome position (GRCh38, 1-based): chr8:132,010,799, C>A. VCF-style: chr8-132010799-C-A. GRCh37 (hg19) VCF-style: chr8-133023046-C-A.
Other names: c.2262C>A, p.Pro754= (NM_001323553.2, NM_001323554.2, NM_001323555.2 and 2 more transcripts); c.2421C>A, p.Pro807= (NM_001323558.2).
Identifiers: ClinVar variation 3045399 (VCV003045399.2), dbSNP rs1423292791, ClinGen allele CA463004955.